The following is an entry in ClinVar:

ClinVar aggregate classification (germline): Likely benign (1 of 4 stars; one submission).

Conditions:
FOLR3-related disorder. Also called: FOLR3-related condition.

Submission:

PreventionGenetics, part of Exact Sciences
Classification: Likely benign for FOLR3-related condition. Last evaluated: 2020-05-20. Review status: criteria provided, single submitter. Criteria: ACMG Guidelines, 2015. Collection method: clinical testing. Allele origin: germline.
Comment: This variant is classified as likely benign based on ACMG/AMP sequence variant interpretation guidelines (Richards et al. 2015 PMID: 25741868, with internal and published modifications).

NM_000804.4(FOLR3):c.711C>T (p.Ala237=)

Gene: FOLR3 (folate receptor gamma; plus strand). Cytogenetic location: 11q13.4.
Variant type: single nucleotide variant.
Coding change: c.711C>T on transcript NM_000804.4 (MANE Select); coding-DNA position 711, C replaced by T.
Protein change: p.Ala237=; no amino-acid change (alanine 237 retained).
Molecular consequence: synonymous variant. On other transcripts: non-coding transcript variant (1).
Genome position (GRCh38, 1-based): chr11:72,139,804, C>T. VCF-style: chr11-72139804-C-T. GRCh37 (hg19) VCF-style: chr11-71850848-C-T.
Other names: c.438C>T, p.Ala146= (NM_001318045.2); c.837C>T, p.Ala279= (NM_001412270.1).
Identifiers: ClinVar variation 3055129 (VCV003055129.1), dbSNP rs1396303899, ClinGen allele CA475865398.
Genomic context (GRCh38, chr11:72,139,804, plus strand): 5'-CCAGGGCAACCCCAATGAGGAGGTGGCCAAGTTCTATGCTGCGGCCATGAATGCTGGGGC[C>T]CCGTCTCGTGGGATTATTGATTCCTGATCCAAGAAGGGTCCTCTGGGGTTCTTCCAACAA-3'
Protein context (NP_000795.2, residues 227-245): KFYAAAMNAG[Ala237=]PSRGIIDS